The following is an entry in ClinVar:

ClinVar aggregate classification (germline): Uncertain significance (1 of 4 stars; one submission).

gnomAD v4.1: 2 of 1,614,198 alleles (0.00012%); highest among the groups gnomAD compares: Non-Finnish European, 0.00017%; no homozygotes.

Submission:

CeGaT Center for Human Genetics Tuebingen
Classification: Uncertain significance. Last evaluated: 2026-07-01. Review status: criteria provided, single submitter. Criteria: CeGaT Center For Human Genetics Tuebingen Variant Classification Criteria Version 2. Collection method: clinical testing. Allele origin: germline. Affected: yes. Observed: 1 variant allele.
Comment: SYNE1: PM2, BP4

NM_182961.4(SYNE1):c.24025T>G (p.Ser8009Ala)

Gene: SYNE1 (spectrin repeat containing nuclear envelope protein 1; minus strand). Cytogenetic location: 6q25.2.
Variant type: single nucleotide variant.
Coding change: c.24025T>G on transcript NM_182961.4 (MANE Select); coding-DNA position 24025, T replaced by G.
Protein change: p.Ser8009Ala; replaces serine 8009 with alanine.
Molecular consequence: missense variant.
Genome position (GRCh38, 1-based): chr6:152,154,996, A>C on the plus strand (T>G on the coding strand, the complement: SYNE1 is on the minus strand). VCF-style: chr6-152154996-A-C. GRCh37 (hg19) VCF-style: chr6-152476131-A-C.
Other names: c.631T>G, p.Ser211Ala (NM_001347701.2); c.490T>G, p.Ser164Ala (NM_001347702.2); c.23812T>G, p.Ser7938Ala (NM_033071.5); short protein forms S164A, S211A, S7938A, S8009A.
Identifiers: ClinVar variation 5039664 (VCV005039664.1).